The following is an entry in ClinVar:

ClinVar aggregate classification (germline): Likely benign (1 of 4 stars; one submission).

Conditions:
KIDINS220-related disorder. Also called: KIDINS220-related condition.

gnomAD v4.1: 5 of 1,612,344 alleles (0.00031%); highest among the groups gnomAD compares: African/African-American, 0.0067%; no homozygotes.

Submission:

PreventionGenetics, part of Exact Sciences
Classification: Likely benign for KIDINS220-related condition. Last evaluated: 2025-05-06. Review status: criteria provided, single submitter. Criteria: ACMG Guidelines, 2015. Collection method: clinical testing. Allele origin: germline.
Comment: This variant is classified as likely benign based on ACMG/AMP sequence variant interpretation guidelines (Richards et al. 2015 PMID: 25741868, with internal and published modifications).

NM_020738.4(KIDINS220):c.3160C>T (p.Leu1054=)

Gene: KIDINS220 (kinase D interacting substrate 220; minus strand). Cytogenetic location: 2p25.1.
Variant type: single nucleotide variant.
Coding change: c.3160C>T on transcript NM_020738.4 (MANE Select); coding-DNA position 3160, C replaced by T.
Protein change: p.Leu1054=; no amino-acid change (leucine 1054 retained).
Molecular consequence: synonymous variant. On other transcripts: non-coding transcript variant (2).
Genome position (GRCh38, 1-based): chr2:8,751,496, G>A on the plus strand (C>T on the coding strand, the complement: KIDINS220 is on the minus strand). VCF-style: chr2-8751496-G-A. GRCh37 (hg19) VCF-style: chr2-8891626-G-A.
Other names: c.3163C>T, p.Leu1055= (NM_001348729.2, NM_001348731.2, NM_001348734.2 and 2 more transcripts); c.3160C>T, p.Leu1054= (NM_001348732.2, NM_001348735.2, NM_001348738.2 and 3 more transcripts); c.3034C>T, p.Leu1012= (NM_001348736.2).
Identifiers: ClinVar variation 4977842 (VCV004977842.1).
Genomic context (GRCh38, chr2:8,751,496, plus strand): 5'-TGAAAAATTAAATTTACTACTAATACCCACCTGCAATAATTTCCCGTAGTTTGGGATCTA[G>A]GTTTACAGTGCATGGCAAAAAGACTTTTACATCTCGAGCCACAAGAACTGGGGTCCTTGA-3'
Protein context (NP_065789.1, residues 1044-1064): VKVFLPCTVN[Leu1054=]DPKLREIIAD